The following is an entry in ClinVar:

ClinVar aggregate classification (germline): Uncertain significance. Review status: criteria provided, multiple submitters, no conflicts (2 of 4 stars). 2 submissions from 2 submitters: Uncertain significance (2). Last evaluated 2026-05-05.

gnomAD v4.1: 30 of 1,611,056 alleles (0.0019%); highest among the groups gnomAD compares: Middle Eastern, 0.049%; 1 homozygote.

Submissions (2):

Women's Health and Genetics/Laboratory Corporation of America, LabCorp
Classification: Uncertain significance. Last evaluated: 2026-05-05. Review status: criteria provided, single submitter. Criteria: LabCorp Variant Classification Summary - May 2015. Collection method: clinical testing. Allele origin: germline.
Comment: Variant summary: FGF3 c.434G>A (p.Arg145Gln) results in a conservative amino acid change in the encoded protein sequence. Algorithms developed to predict the effect of missense changes on protein structure and function are either unavailable or do not agree on the potential impact of this missense change. The variant allele was found at a frequency of 2.4e-05 in 248218 control chromosomes. The available data on variant occurrences in the general population are insufficient to allow any conclusion about variant significance. To our knowledge, no occurrence of c.434G>A in individuals affected with FGF3-related conditions and no experimental evidence demonstrating its impact on protein function have been reported. ClinVar contains an entry for this variant (Variation ID: 3364047). Based on the evidence outlined above, the variant was classified as uncertain significance.

GeneDx
Classification: Uncertain significance. Last evaluated: 2023-11-14. Review status: criteria provided, single submitter. Criteria: GeneDx Variant Classification Process June 2021. Collection method: clinical testing. Allele origin: germline. Affected: yes.
Comment: In silico analysis supports that this missense variant does not alter protein structure/function; Has not been previously published as pathogenic or benign to our knowledge

NM_005247.4(FGF3):c.434G>A (p.Arg145Gln)

Gene: FGF3 (fibroblast growth factor 3; minus strand). Cytogenetic location: 11q13.3.
Variant type: single nucleotide variant.
Coding change: c.434G>A on transcript NM_005247.4 (MANE Select); coding-DNA position 434, G replaced by A.
Protein change: p.Arg145Gln; replaces arginine 145 with glutamine.
Molecular consequence: missense variant.
Genome position (GRCh38, 1-based): chr11:69,810,591, C>T on the plus strand (G>A on the coding strand, the complement: FGF3 is on the minus strand). VCF-style: chr11-69810591-C-T. GRCh37 (hg19) VCF-style: chr11-69625359-C-T.
Other names: short protein forms R145Q.
Identifiers: ClinVar variation 3364047 (VCV003364047.2).